The following is an entry in ClinVar:

ClinVar aggregate classification (germline): Benign/Likely benign. Review status: criteria provided, multiple submitters, no conflicts (2 of 4 stars). 9 submissions from 9 submitters: Benign (7); Likely benign (2). Last evaluated 2026-06-22.

Conditions:
Primary ciliary dyskinesia. Also called: Ciliary dyskinesia. Identifiers: Orphanet 244, MedGen C0008780, MONDO:0016575, HP:0012265.
Primary ciliary dyskinesia 12. Also called: CILIARY DYSKINESIA, PRIMARY, 12, WITHOUT SITUS INVERSUS. Identifiers: Orphanet 244, MedGen C2675228, MONDO:0012979, OMIM 612650.

Allele frequency attached by ClinVar (database versions not stated): gnomAD exomes 0.06051 and 0.07660; gnomAD 0.06068 and 0.06643; ESP Exome Variant Server 0.06320; TOPMed 0.06727; ExAC 0.07972; 1000 Genomes Project 30x 0.12836; 1000 Genomes Project 0.13019.

Submissions (9):

Women's Health and Genetics/Laboratory Corporation of America, LabCorp
Classification: Likely benign. Last evaluated: 2026-06-22. Review status: criteria provided, single submitter. Criteria: LabCorp Variant Classification Summary - May 2015. Collection method: clinical testing. Allele origin: germline.

Labcorp Genetics (formerly Invitae), Labcorp
Classification: Benign for Primary ciliary dyskinesia. Last evaluated: 2026-02-04. Review status: criteria provided, single submitter. Criteria: Invitae Variant Classification Sherloc (09022015). Collection method: clinical testing. Allele origin: germline.

Blueprint Genetics
Classification: Likely benign. Last evaluated: 2024-11-27. Review status: criteria provided, single submitter. Criteria: ACMG Guidelines, 2015. Collection method: clinical testing. Allele origin: germline.

Mayo Clinic Laboratories, Mayo Clinic
Classification: Benign. Last evaluated: 2023-10-28. Review status: criteria provided, single submitter. Criteria: ACMG Guidelines, 2015. Collection method: clinical testing. Allele origin: germline. Observed: 18 variant alleles.

GeneDx
Classification: Benign. Last evaluated: 2019-02-05. Review status: criteria provided, single submitter. Criteria: GeneDx Variant Classification Process June 2021. Collection method: clinical testing. Allele origin: germline. Affected: yes.

Illumina Laboratory Services, Illumina
Classification: Benign for Primary ciliary dyskinesia 12. Last evaluated: 2018-01-12. Review status: criteria provided, single submitter. Criteria: ICSL Variant Classification Criteria 13 December 2019. Collection method: clinical testing. Allele origin: germline.
Comment: This variant was observed in the ICSL laboratory as part of a predisposition screen in an ostensibly healthy population. It had not been previously curated by ICSL or reported in the Human Gene Mutation Database (HGMD: prior to June 1st, 2018), and was therefore a candidate for classification through an automated scoring system. Utilizing variant allele frequency, disease prevalence and penetrance estimates, and inheritance mode, an automated score was calculated to assess if this variant is too frequent to cause the disease. Based on the score and internal cut-off values, a variant classified as benign is not then subjected to further curation. The score for this variant resulted in a classification of benign for this disease.

Ambry Genetics
Classification: Benign for Primary ciliary dyskinesia. Last evaluated: 2014-12-12. Review status: criteria provided, single submitter. Criteria: Ambry Variant Classification Scheme 2023. Collection method: clinical testing. Allele origin: germline.

Laboratory for Molecular Medicine, Mass General Brigham Personalized Medicine
Classification: Benign. Last evaluated: 2013-02-21. Review status: criteria provided, single submitter. Criteria: LMM Criteria. Collection method: clinical testing. Allele origin: germline. Observed: 21 variant alleles.
Comment: Arg278His in exon 6 of RSPH9: This variant is not expected to have clinical sign ificance because it has been identified in 8.1% (356/4406) of African American c hromosomes from a broad population by the NHLBI Exome Sequencing Project (dbSNP rs16896629).

PreventionGenetics, part of Exact Sciences
Classification: Benign. Review status: criteria provided, single submitter. Criteria: ACMG Guidelines, 2015. Collection method: clinical testing. Allele origin: germline.

NM_152732.5(RSPH9):c.781G>A (p.Val261Ile)

Gene: RSPH9 (radial spoke head component 9; plus strand). Cytogenetic location: 6p21.1.
Variant type: single nucleotide variant.
Coding change: c.781G>A on transcript NM_152732.5 (MANE Select); coding-DNA position 781, G replaced by A.
Protein change: p.Val261Ile; replaces valine 261 with isoleucine.
Molecular consequence: missense variant. On other transcripts: non-coding transcript variant (2).
Genome position (GRCh38, 1-based): chr6:43,670,899, G>A. VCF-style: chr6-43670899-G-A. GRCh37 (hg19) VCF-style: chr6-43638636-G-A.
Other names: c.833G>A, p.Arg278His (NM_001193341.2); c.878G>A, p.Arg293His (NM_001424119.1); c.736G>A, p.Val246Ile (NM_001424120.1); short protein forms R278H, V261I, R293H, V246I.
Identifiers: ClinVar variation 165065 (VCV000165065.29), dbSNP rs16896629, ClinGen allele CA177736.
Genomic context (GRCh38, chr6:43,670,899, plus strand): 5'-AGCCTGCTCTGGCCGGGCCTCACCTTCTACCATGCTCCCCGCACCAAGAACTATGGCTAC[G>A]TCTACGTGGGCACTGGCGAGAAGAACATGGACTTGCCCTTCATGCTATAGAATGGGAGCC-3'
Protein context (NP_689945.2, residues 251-271): HAPRTKNYGY[Val261Ile]YVGTGEKNMD